The following is an entry in ClinVar:

NM_002125.4(HLA-DRB5):c.9T>C (p.Cys3=)

Gene: HLA-DRB5 (major histocompatibility complex, class II, DR beta 5; minus strand). Cytogenetic location: 6p21.32.
Variant type: single nucleotide variant.
Coding change: c.9T>C on transcript NM_002125.4 (MANE Select); coding-DNA position 9, T replaced by C.
Protein change: p.Cys3=; no amino-acid change (cysteine 3 retained).
Molecular consequence: synonymous variant.
Genome position (GRCh38, 1-based): chr6:32,530,216, A>G on the plus strand (T>C on the coding strand, the complement: HLA-DRB5 is on the minus strand). VCF-style: chr6-32530216-A-G. GRCh37 (hg19) VCF-style: chr6-32497993-A-G.
Identifiers: ClinVar variation 2656456 (VCV002656456.24), dbSNP rs765098773, ClinGen allele CA3742530.
Genomic context (GRCh38, chr6:32,530,216, plus strand): 5'-GCTCAGCACCATCAGTGTCACTGTCAGCTTTGCCATGTAGGAACCTCCAGGGAGCTTCAG[A>G]CACACCATGCTGGAGAACAGGACAGGACCAGGGGCCAGAGGAGCAGGCAAGTCTCACTCA-3'
Protein context (NP_002116.2, residues 1-13): MV[Cys3=]LKLPGGSYMA

ClinVar aggregate classification (germline): Likely benign (1 of 4 stars; one submission).

Submission:

CeGaT Center for Human Genetics Tuebingen
Classification: Likely benign. Last evaluated: 2023-10-01. Review status: criteria provided, single submitter. Criteria: CeGaT Center For Human Genetics Tuebingen Variant Classification Criteria Version 2. Collection method: clinical testing. Allele origin: germline. Affected: yes. Observed: 1 variant allele.
Comment: HLA-DRB5: BP4, BP7